The following is an entry in ClinVar:

ClinVar aggregate classification (germline): Uncertain significance (1 of 4 stars; one submission).

Conditions:
Hereditary nonpolyposis colorectal neoplasms. Identifiers: MedGen C0009405, MeSH D003123.

Submission:

Labcorp Genetics (formerly Invitae), Labcorp
Classification: Uncertain significance for Hereditary nonpolyposis colorectal neoplasms. Last evaluated: 2024-06-23. Review status: criteria provided, single submitter. Criteria: Invitae Variant Classification Sherloc (09022015). Collection method: clinical testing. Allele origin: germline.
Comment: This sequence change replaces arginine, which is basic and polar, with serine, which is neutral and polar, at codon 239 of the MSH6 protein (p.Arg239Ser). This variant is not present in population databases (gnomAD no frequency). This variant has not been reported in the literature in individuals affected with MSH6-related conditions. Advanced modeling of protein sequence and biophysical properties (such as structural, functional, and spatial information, amino acid conservation, physicochemical variation, residue mobility, and thermodynamic stability) performed at Invitae indicates that this missense variant is not expected to disrupt MSH6 protein function with a negative predictive value of 95%. In summary, the available evidence is currently insufficient to determine the role of this variant in disease. Therefore, it has been classified as a Variant of Uncertain Significance.

NM_000179.3(MSH6):c.717G>C (p.Arg239Ser)

Gene: MSH6 (mutS homolog 6; plus strand). Cytogenetic location: 2p16.3.
Variant type: single nucleotide variant.
Coding change: c.717G>C on transcript NM_000179.3 (MANE Select); coding-DNA position 717, G replaced by C.
Protein change: p.Arg239Ser; replaces arginine 239 with serine.
Molecular consequence: missense variant. On other transcripts: 5 prime UTR variant (9), non-coding transcript variant (4), intron variant (1).
Genome position (GRCh38, 1-based): chr2:47,798,700, G>C. VCF-style: chr2-47798700-G-C. GRCh37 (hg19) VCF-style: chr2-48025839-G-C.
Other names: c.717G>C, p.Arg239Ser (NM_001406809.1, NM_001406808.1, NM_001406796.1 and 4 more transcripts); c.192G>C, p.Arg64Ser (NM_001406807.1, NM_001406806.1, NM_001406799.1); c.327G>C, p.Arg109Ser (NM_001281492.2); c.-190G>C (NM_001281493.2, NM_001281494.2, NM_001406811.1 and 6 more transcripts); c.813G>C, p.Arg271Ser (NM_001406795.1, NM_001406802.1); c.420G>C, p.Arg140Ser (NM_001406797.1, NM_001406801.1, NM_001406805.1 and 10 more transcripts); c.639G>C, p.Arg213Ser (NM_001406804.1); c.723G>C, p.Arg241Ser (NM_001406813.1); and 2 more; short protein forms R183S, R241S, R64S, R239S, R271S, R109S, R140S, R213S.
Identifiers: ClinVar variation 3633914 (VCV003633914.2).
Genomic context (GRCh38, chr2:47,798,700, plus strand): 5'-TGAAGAAGATAATGAAATTGAGAGTGAAGAGGAAGTACAGCCTAAGACACAAGGATCTAG[G>C]CGAAGTAGCCGCCAAATAAAAAAACGAAGGGTCATATCAGATTCTGAGAGTGACATTGGT-3'
Protein context (NP_000170.1, residues 229-249): EEVQPKTQGS[Arg239Ser]RSSRQIKKRR